The following is an entry in ClinVar:

NM_001365536.1(SCN9A):c.496G>A (p.Glu166Lys)

Gene: SCN9A (sodium voltage-gated channel alpha subunit 9; minus strand). Cytogenetic location: 2q24.3.
Variant type: single nucleotide variant.
Coding change: c.496G>A on transcript NM_001365536.1 (MANE Select); coding-DNA position 496, G replaced by A.
Protein change: p.Glu166Lys; replaces glutamic acid 166 with lysine.
Molecular consequence: missense variant.
Genome position (GRCh38, 1-based): chr2:166,305,892, C>T on the plus strand (G>A on the coding strand, the complement: SCN9A is on the minus strand). VCF-style: chr2-166305892-C-T. GRCh37 (hg19) VCF-style: chr2-167162402-C-T.
Other names: c.496G>A, p.Glu166Lys (NM_002977.4); short protein forms E166K.
Identifiers: ClinVar variation 859180 (VCV000859180.10), dbSNP rs1553496214, ClinGen allele CA349095223.

ClinVar aggregate classification (germline): Uncertain significance (1 of 4 stars; one submission).

Conditions:
Neuropathy, hereditary sensory and autonomic, type 2A (HSAN2A). Also called: HSAN IIA; MORVAN DISEASE; NEUROPATHY, CONGENITAL SENSORY; NEUROPATHY, HEREDITARY SENSORY RADICULAR, AUTOSOMAL RECESSIVE; NEUROPATHY, HEREDITARY SENSORY, TYPE IIA; NEUROPATHY, PROGRESSIVE SENSORY, OF CHILDREN. Identifiers: Orphanet 970, MedGen C2752089, MONDO:0024309, OMIM 201300.
Generalized epilepsy with febrile seizures plus, type 7 (GEFSP7). Also called: GEFS+, TYPE 7. Identifiers: Orphanet 36387, MedGen C2751778, MONDO:0013470, OMIM 613863.

Allele frequency attached by ClinVar (database versions not stated): gnomAD exomes below 0.00001; TOPMed below 0.00001.
gnomAD v4.1: 3 of 1,612,970 alleles (0.00019%); highest among the groups gnomAD compares: Non-Finnish European, 0.00025%; no homozygotes.

Submission:

Labcorp Genetics (formerly Invitae), Labcorp
Classification: Uncertain significance for Neuropathy, hereditary sensory and autonomic, type 2A; Generalized epilepsy with febrile seizures plus, type 7. Last evaluated: 2019-04-12. Review status: criteria provided, single submitter. Criteria: Invitae Variant Classification Sherloc (09022015). Collection method: clinical testing. Allele origin: germline.
Comment: In summary, the available evidence is currently insufficient to determine the role of this variant in disease. Therefore, it has been classified as a Variant of Uncertain Significance. Algorithms developed to predict the effect of missense changes on protein structure and function are either unavailable or do not agree on the potential impact of this missense change (SIFT: "Deleterious"; PolyPhen-2: "Probably Damaging"; Align-GVGD: "Class C0"). This variant has not been reported in the literature in individuals with SCN9A-related conditions. This variant is not present in population databases (ExAC no frequency). This sequence change replaces glutamic acid with lysine at codon 166 of the SCN9A protein (p.Glu166Lys). The glutamic acid residue is highly conserved and there is a small physicochemical difference between glutamic acid and lysine.